The following is an entry in ClinVar:

NM_030665.4(RAI1):c.4754G>A (p.Arg1585Gln)

Gene: RAI1 (retinoic acid induced 1; plus strand). Cytogenetic location: 17p11.2.
Variant type: single nucleotide variant.
Coding change: c.4754G>A on transcript NM_030665.4 (MANE Select); coding-DNA position 4754, G replaced by A.
Protein change: p.Arg1585Gln; replaces arginine 1585 with glutamine.
Molecular consequence: missense variant.
Genome position (GRCh38, 1-based): chr17:17,797,702, G>A. VCF-style: chr17-17797702-G-A. GRCh37 (hg19) VCF-style: chr17-17701016-G-A.
Other names: short protein forms R1585Q.
Identifiers: ClinVar variation 3698449 (VCV003698449.2).

ClinVar aggregate classification (germline): Uncertain significance (1 of 4 stars; one submission).

gnomAD v4.1: 33 of 1,613,290 alleles (0.002%); highest among the groups gnomAD compares: Non-Finnish European, 0.0025%; no homozygotes.

Submission:

Labcorp Genetics (formerly Invitae), Labcorp
Classification: Uncertain significance. Last evaluated: 2025-09-29. Review status: criteria provided, single submitter. Criteria: Invitae Variant Classification Sherloc (09022015). Collection method: clinical testing. Allele origin: germline.
Comment: This sequence change replaces arginine, which is basic and polar, with glutamine, which is neutral and polar, at codon 1585 of the RAI1 protein (p.Arg1585Gln). This variant is present in population databases (rs376652163, gnomAD 0.004%). This variant has not been reported in the literature in individuals affected with RAI1-related conditions. ClinVar contains an entry for this variant (Variation ID: 3698449). Invitae Evidence Modeling of protein sequence and biophysical properties (such as structural, functional, and spatial information, amino acid conservation, physicochemical variation, residue mobility, and thermodynamic stability) has been performed for this missense variant. However, the output from this modeling did not meet the statistical confidence thresholds required to predict the impact of this variant on RAI1 protein function. In summary, the available evidence is currently insufficient to determine the role of this variant in disease. Therefore, it has been classified as a Variant of Uncertain Significance.